The following is an entry in ClinVar:

ClinVar aggregate classification (germline): Uncertain significance. Review status: criteria provided, multiple submitters, no conflicts (2 of 4 stars). 4 submissions from 4 submitters: Uncertain significance (4). Last evaluated 2025-07-01.

Conditions:
Hereditary nonpolyposis colorectal neoplasms. Identifiers: MedGen C0009405, MeSH D003123.
Hereditary cancer-predisposing syndrome. Also called: Hereditary neoplastic syndrome; Hereditary Cancer Syndrome; Neoplastic Syndromes, Hereditary; Tumor predisposition. Identifiers: Orphanet 140162, MedGen C0027672, MeSH D009386, MONDO:0015356.
Lynch syndrome. Identifiers: Orphanet 144, MedGen C4552100, MONDO:0005835. Disease mechanism: loss of function.

Allele frequency attached by ClinVar (database versions not stated): gnomAD exomes below 0.00001.

Submissions (4):

Ambry Genetics
Classification: Uncertain significance for Hereditary cancer-predisposing syndrome. Last evaluated: 2025-07-01. Review status: criteria provided, single submitter. Criteria: Ambry Variant Classification Scheme 2023. Collection method: clinical testing. Allele origin: germline.
Comment: The p.E1119G variant (also known as c.3356A>G), located in coding exon 5 of the MSH6 gene, results from an A to G substitution at nucleotide position 3356. The glutamic acid at codon 1119 is replaced by glycine, an amino acid with similar properties. This amino acid position is well conserved in available vertebrate species. In addition, the in silico prediction for this alteration is inconclusive. Based on the available evidence, the clinical significance of this variant remains unclear.

Labcorp Genetics (formerly Invitae), Labcorp
Classification: Uncertain significance for Hereditary nonpolyposis colorectal neoplasms. Last evaluated: 2024-12-22. Review status: criteria provided, single submitter. Criteria: Invitae Variant Classification Sherloc (09022015). Collection method: clinical testing. Allele origin: germline.
Comment: This sequence change replaces glutamic acid, which is acidic and polar, with glycine, which is neutral and non-polar, at codon 1119 of the MSH6 protein (p.Glu1119Gly). This variant is not present in population databases (gnomAD no frequency). This variant has not been reported in the literature in individuals affected with MSH6-related conditions. ClinVar contains an entry for this variant (Variation ID: 234647). Invitae Evidence Modeling of protein sequence and biophysical properties (such as structural, functional, and spatial information, amino acid conservation, physicochemical variation, residue mobility, and thermodynamic stability) indicates that this missense variant is not expected to disrupt MSH6 protein function with a negative predictive value of 95%. In summary, the available evidence is currently insufficient to determine the role of this variant in disease. Therefore, it has been classified as a Variant of Uncertain Significance.

All of Us Research Program, National Institutes of Health
Classification: Uncertain significance for Lynch syndrome. Last evaluated: 2024-05-17. Review status: criteria provided, single submitter. Criteria: ACMG Guidelines, 2015. Collection method: clinical testing. Allele origin: germline. Inheritance: Autosomal dominant inheritance. Observed: 2 variant alleles, 2 heterozygotes.
Comment: This missense variant replaces glutamic acid with glycine at codon 1119 of the MSH6 protein. Computational prediction suggests that this variant may not impact protein structure and function (internally defined REVEL score threshold <= 0.5, PMID: 27666373). To our knowledge, functional studies have not been reported for this variant. This variant has not been reported in individuals affected with MSH6-related disorders in the literature. This variant has not been identified in the general population by the Genome Aggregation Database (gnomAD). The available evidence is insufficient to determine the role of this variant in disease conclusively. Therefore, this variant is classified as a Variant of Uncertain Significance.

This study involves interpretation of variants in research participants for the purpose of population health screening. Participant phenotype was not available at the time of variant classification. Additional details can be found in publication PMID: 35346344, PMCID: PMC8962531

GeneDx
Classification: Uncertain significance. Last evaluated: 2017-11-24. Review status: criteria provided, single submitter. Criteria: GeneDx Variant Classification (06012015). Collection method: clinical testing. Allele origin: germline. Affected: yes.
Comment: This variant is denoted MSH6 c.3356A>G at the cDNA level, p.Glu1119Gly (E1119G) at the protein level, and results in the change of a Glutamic Acid to a Glycine (GAA>GGA). This variant has not, to our knowledge, been published in the literature as pathogenic or benign. MSH6 Glu1119Gly was not observed in large population cohorts (Lek 2016). Since Glutamic Acid and Glycine differ in polarity, charge, size or other properties, this is considered a non-conservative amino acid substitution. MSH6 Glu1119Gly is located in the ATPase domain (Warren 2007, Kansikas 2011). In-silico analyses, including protein predictors and evolutionary conservation, support that this variant does not alter protein structure or function. Based on currently available evidence, it is unclear whether MSH6 Glu1119Gly is a pathogenic or benign variant. We consider it to be a variant of uncertain significance.

NM_000179.3(MSH6):c.3356A>G (p.Glu1119Gly)

Gene: MSH6 (mutS homolog 6; plus strand). Cytogenetic location: 2p16.3.
Variant type: single nucleotide variant.
Coding change: c.3356A>G on transcript NM_000179.3 (MANE Select); coding-DNA position 3356, A replaced by G.
Protein change: p.Glu1119Gly; replaces glutamic acid 1119 with glycine.
Molecular consequence: missense variant.
Genome position (GRCh38, 1-based): chr2:47,803,603, A>G. VCF-style: chr2-47803603-A-G. GRCh37 (hg19) VCF-style: chr2-48030742-A-G.
Other names: c.2966A>G, p.Glu989Gly (NM_001281492.2); c.2450A>G, p.Glu817Gly (NM_001281493.2, NM_001281494.2); short protein forms E1119G, E817G, E989G.
Identifiers: ClinVar variation 234647 (VCV000234647.17), dbSNP rs876661138, ClinGen allele CA10577286.